The following is an entry in ClinVar:

NM_004958.4(MTOR):c.2779+9G>A

Gene: MTOR (mechanistic target of rapamycin kinase; minus strand). Cytogenetic location: 1p36.22.
Variant type: single nucleotide variant.
Coding change: c.2779+9G>A on transcript NM_004958.4 (MANE Select); 9 bases into the intron after coding-DNA position 2779, G replaced by A.
Molecular consequence: intron variant.
Genome position (GRCh38, 1-based): chr1:11,230,916, C>T on the plus strand (G>A on the coding strand, the complement: MTOR is on the minus strand). VCF-style: chr1-11230916-C-T. GRCh37 (hg19) VCF-style: chr1-11290973-C-T.
Other names: c.1531+9G>A (NM_001386501.1); c.2779+9G>A (NM_001386500.1, NM_004958.3).
Identifiers: ClinVar variation 1580087 (VCV001580087.9), dbSNP rs1188671289, ClinGen allele CA521161601.

ClinVar aggregate classification (germline): Likely benign. Review status: criteria provided, multiple submitters, no conflicts (2 of 4 stars). 2 submissions from 2 submitters: Likely benign (2). Last evaluated 2025-05-08.

Conditions:
MTOR-related disorder. Also called: MTOR-related condition.

gnomAD v4.1: 2 of 1,613,530 alleles (0.00012%); highest among the groups gnomAD compares: Non-Finnish European, 0.00017%; no homozygotes.

Submissions (2):

PreventionGenetics, part of Exact Sciences
Classification: Likely benign for MTOR-related condition. Last evaluated: 2025-05-08. Review status: criteria provided, single submitter. Criteria: ACMG Guidelines, 2015. Collection method: clinical testing. Allele origin: germline.
Comment: This variant is classified as likely benign based on ACMG/AMP sequence variant interpretation guidelines (Richards et al. 2015 PMID: 25741868, with internal and published modifications).

Labcorp Genetics (formerly Invitae), Labcorp
Classification: Likely benign. Last evaluated: 2024-12-24. Review status: criteria provided, single submitter. Criteria: Invitae Variant Classification Sherloc (09022015). Collection method: clinical testing. Allele origin: germline.